The following is an entry in ClinVar:

NM_020964.3(EPG5):c.7028C>T (p.Ser2343Leu)

Gene: EPG5 (ectopic P-granules 5 autophagy tethering factor; minus strand). Cytogenetic location: 18q12.3.
Variant type: single nucleotide variant.
Coding change: c.7028C>T on transcript NM_020964.3 (MANE Select); coding-DNA position 7028, C replaced by T.
Protein change: p.Ser2343Leu; replaces serine 2343 with leucine.
Molecular consequence: missense variant.
Genome position (GRCh38, 1-based): chr18:45,858,764, G>A on the plus strand (C>T on the coding strand, the complement: EPG5 is on the minus strand). VCF-style: chr18-45858764-G-A. GRCh37 (hg19) VCF-style: chr18-43438729-G-A.
Other names: short protein forms S2343L.
Identifiers: ClinVar variation 843822 (VCV000843822.10), dbSNP rs1283916552, ClinGen allele CA402336744.

ClinVar aggregate classification (germline): Uncertain significance (1 of 4 stars; one submission).

Conditions:
Vici syndrome (VICIS). Identifiers: Orphanet 1493, MedGen C1855772, MONDO:0009452, OMIM 242840.

Allele frequency attached by ClinVar (database versions not stated): gnomAD exomes below 0.00001; gnomAD 0.00001; TOPMed 0.00001.
gnomAD v4.1: 3 of 1,613,770 alleles (0.00019%); highest among the groups gnomAD compares: Admixed American, 0.0017%; no homozygotes.

Submission:

Labcorp Genetics (formerly Invitae), Labcorp
Classification: Uncertain significance for Vici syndrome. Last evaluated: 2020-03-06. Review status: criteria provided, single submitter. Criteria: Invitae Variant Classification Sherloc (09022015). Collection method: clinical testing. Allele origin: germline.
Comment: This sequence change replaces serine with leucine at codon 2343 of the EPG5 protein (p.Ser2343Leu). The serine residue is weakly conserved and there is a large physicochemical difference between serine and leucine. This variant is not present in population databases (ExAC no frequency). This variant has not been reported in the literature in individuals with EPG5-related conditions. Algorithms developed to predict the effect of missense changes on protein structure and function output the following: SIFT: "Tolerated"; PolyPhen-2: "Benign"; Align-GVGD: "Class C0". The leucine amino acid residue is found in multiple mammalian species, suggesting that this missense change does not adversely affect protein function. These predictions have not been confirmed by published functional studies and their clinical significance is uncertain. In summary, the available evidence is currently insufficient to determine the role of this variant in disease. Therefore, it has been classified as a Variant of Uncertain Significance.